The following is an entry in ClinVar:

ClinVar aggregate classification (germline): Benign/Likely benign. Review status: criteria provided, multiple submitters, no conflicts (2 of 4 stars). 5 submissions from 5 submitters: Benign (2); Likely benign (2). 1 of the submissions does not count toward it. Last evaluated 2026-01-23.

Conditions:
LRRC56-related disorder. Also called: LRRC56-related condition.

Allele frequency attached by ClinVar (database versions not stated): ESP Exome Variant Server 0.00170; 1000 Genomes Project 0.00359; 1000 Genomes Project 30x 0.00453.
gnomAD v4.1: 1,421 of 1,547,056 alleles (0.092%); highest among the groups gnomAD compares: Middle Eastern, 1.6%; 9 homozygotes.

Submissions (5):

Labcorp Genetics (formerly Invitae), Labcorp
Classification: Benign. Last evaluated: 2026-01-23. Review status: criteria provided, single submitter. Criteria: Invitae Variant Classification Sherloc (09022015). Collection method: clinical testing. Allele origin: germline.

Blueprint Genetics
Classification: Likely benign. Last evaluated: 2024-11-21. Review status: criteria provided, single submitter. Criteria: ACMG Guidelines, 2015. Collection method: clinical testing. Allele origin: germline.

CeGaT Center for Human Genetics Tuebingen
Classification: Likely benign. Last evaluated: 2022-04-01. Review status: criteria provided, single submitter. Criteria: CeGaT Center For Human Genetics Tuebingen Variant Classification Criteria Version 2. Collection method: clinical testing. Allele origin: germline. Affected: yes. Observed: 1 variant allele.
Comment: LRRC56: BP4, BP7

Breakthrough Genomics
Classification: Benign. Review status: criteria provided, single submitter. Criteria: ACMG Guidelines, 2015. Collection method: not provided. Allele origin: germline. Inheritance: Autosomal recessive inheritance. Affected: yes.

PreventionGenetics, part of Exact Sciences
Classification: Benign for LRRC56-related condition. Last evaluated: 2022-10-17. Review status: no assertion criteria provided. Collection method: clinical testing. Allele origin: germline. Not counted in ClinVar's aggregate classification.
Comment: This variant is classified as benign based on ACMG/AMP sequence variant interpretation guidelines (Richards et al. 2015 PMID: 25741868, with internal and published modifications).

NM_198075.4(LRRC56):c.723C>A (p.Ala241=)

Gene: LRRC56 (leucine rich repeat containing 56; plus strand). Cytogenetic location: 11p15.5.
Variant type: single nucleotide variant.
Coding change: c.723C>A on transcript NM_198075.4 (MANE Select); coding-DNA position 723, C replaced by A.
Protein change: p.Ala241=; no amino-acid change (alanine 241 retained).
Molecular consequence: synonymous variant.
Genome position (GRCh38, 1-based): chr11:551,229, C>A. VCF-style: chr11-551229-C-A. GRCh37 (hg19) VCF-style: chr11-551229-C-A.
Other names: c.723C>A (NM_198075.3).
Identifiers: ClinVar variation 1579972 (VCV001579972.34), dbSNP rs201646765, ClinGen allele CA5779801.